The following is an entry in ClinVar:

ClinVar aggregate classification (germline): Uncertain significance (1 of 4 stars; one submission).

Conditions:
Inborn genetic diseases. Identifiers: MedGen C0950123, MeSH D030342.

Allele frequency attached by ClinVar (database versions not stated): gnomAD exomes below 0.00001.
gnomAD v4.1: 1 of 1,612,998 alleles (0.000062%); highest among the groups gnomAD compares: Non-Finnish European, 0.000085%; no homozygotes.

Submission:

Ambry Genetics
Classification: Uncertain significance for Inborn genetic diseases. Last evaluated: 2021-05-19. Review status: criteria provided, single submitter. Criteria: Ambry Variant Classification Scheme 2023. Collection method: clinical testing. Allele origin: germline.
Comment: The p.I2288S variant (also known as c.6863T>G), located in coding exon 45 of the DST gene, results from a T to G substitution at nucleotide position 6863. The isoleucine at codon 2288 is replaced by serine, an amino acid with dissimilar properties. This amino acid position is not well conserved in available vertebrate species. In addition, this alteration is predicted to be tolerated by in silico analysis. Since supporting evidence is limited at this time, the clinical significance of this alteration remains unclear.

NM_001374736.1(DST):c.13220T>G (p.Ile4407Ser)

Gene: DST (dystonin; minus strand). Cytogenetic location: 6p12.1.
Variant type: single nucleotide variant.
Coding change: c.13220T>G on transcript NM_001374736.1 (MANE Select); coding-DNA position 13220, T replaced by G.
Protein change: p.Ile4407Ser; replaces isoleucine 4407 with serine.
Molecular consequence: missense variant.
Genome position (GRCh38, 1-based): chr6:56,573,695, A>C on the plus strand (T>G on the coding strand, the complement: DST is on the minus strand). VCF-style: chr6-56573695-A-C. GRCh37 (hg19) VCF-style: chr6-56438493-A-C.
Other names: c.6863T>G, p.Ile2288Ser (NM_001144769.5); c.6449T>G, p.Ile2150Ser (NM_001144770.2); c.13220T>G, p.Ile4407Ser (NM_001374722.1); c.12587T>G, p.Ile4196Ser (NM_001374729.1); c.6329T>G, p.Ile2110Ser (NM_001374730.1, NM_001386100.1, NM_183380.4); c.13247T>G, p.Ile4416Ser (NM_001374734.1); c.5351T>G, p.Ile1784Ser (NM_015548.5); short protein forms I2288S, I4196S, I4407S, I1784S, I2110S, I2150S, I4416S.
Identifiers: ClinVar variation 1755850 (VCV001755850.2), dbSNP rs1354751259, ClinGen allele CA364527820.